The following is an entry in ClinVar:

NM_000093.5(COL5A1):c.365A>G (p.Glu122Gly)

Gene: COL5A1 (collagen type V alpha 1 chain; plus strand). Cytogenetic location: 9q34.3.
Variant type: single nucleotide variant.
Coding change: c.365A>G on transcript NM_000093.5 (MANE Select); coding-DNA position 365, A replaced by G.
Protein change: p.Glu122Gly; replaces glutamic acid 122 with glycine.
Molecular consequence: missense variant.
Genome position (GRCh38, 1-based): chr9:134,699,996, A>G. VCF-style: chr9-134699996-A-G. GRCh37 (hg19) VCF-style: chr9-137591842-A-G.
Other names: c.365A>G, p.Glu122Gly (NM_001278074.1); short protein forms E122G.
Identifiers: ClinVar variation 365705 (VCV000365705.10), dbSNP rs886063673, ClinGen allele CA10626789.
Genomic context (GRCh38, chr9:134,699,996, plus strand): 5'-TCCTAACAACTGTGAAAGCCAAGAAAGGCAGCCAGGCCTTCCTGGTCTCCATCTACAACG[A>G]GCAGGGTATCCAGCAGATTGGGCTGGAGCTGGGCCGCTCTCCCGTCTTCCTCTACGAGGA-3'
Protein context (NP_000084.3, residues 112-132): SQAFLVSIYN[Glu122Gly]QGIQQIGLEL

ClinVar aggregate classification (germline): Uncertain significance (1 of 4 stars; one submission).

Conditions:
Ehlers-Danlos syndrome, classic type, 1 (EDSCL1). Also called: EHLERS-DANLOS SYNDROME, GRAVIS TYPE; EHLERS-DANLOS SYNDROME, SEVERE CLASSIC TYPE; Ehlers-Danlos Syndrome, Classic Type, COL5A1-Related; EDS I; Ehlers-Danlos syndrome, type 1. Identifiers: MedGen C0268335, MONDO:0019567, OMIM 130000.

Allele frequency attached by ClinVar (database versions not stated): gnomAD exomes below 0.00001.
gnomAD v4.1: 4 of 1,613,844 alleles (0.00025%); highest among the groups gnomAD compares: South Asian, 0.0011%; no homozygotes.

Submission:

Labcorp Genetics (formerly Invitae), Labcorp
Classification: Uncertain significance for Ehlers-Danlos syndrome, classic type, 1. Last evaluated: 2021-10-05. Review status: criteria provided, single submitter. Criteria: Invitae Variant Classification Sherloc (09022015). Collection method: clinical testing. Allele origin: germline.
Comment: This sequence change replaces glutamic acid with glycine at codon 122 of the COL5A1 protein (p.Glu122Gly). The glutamic acid residue is highly conserved and there is a moderate physicochemical difference between glutamic acid and glycine. In summary, the available evidence is currently insufficient to determine the role of this variant in disease. Therefore, it has been classified as a Variant of Uncertain Significance. Advanced modeling of protein sequence and biophysical properties (such as structural, functional, and spatial information, amino acid conservation, physicochemical variation, residue mobility, and thermodynamic stability) performed at Invitae indicates that this missense variant is not expected to disrupt COL5A1 protein function. ClinVar contains an entry for this variant (Variation ID: 365705). This variant has not been reported in the literature in individuals affected with COL5A1-related conditions. This variant is not present in population databases (ExAC no frequency).